The following is an entry in ClinVar:

NM_174936.4(PCSK9):c.1293G>A (p.Glu431=)

Gene: PCSK9 (proprotein convertase subtilisin/kexin type 9; plus strand). Cytogenetic location: 1p32.3.
Variant type: single nucleotide variant.
Coding change: c.1293G>A on transcript NM_174936.4 (MANE Select); coding-DNA position 1293, G replaced by A.
Protein change: p.Glu431=; no amino-acid change (glutamic acid 431 retained).
Molecular consequence: synonymous variant. On other transcripts: non-coding transcript variant (8), intron variant (2).
Genome position (GRCh38, 1-based): chr1:55,058,148, G>A. VCF-style: chr1-55058148-G-A. GRCh37 (hg19) VCF-style: chr1-55523821-G-A.
Other names: c.1416G>A, p.Glu472= (NM_001407240.1); c.1293G>A, p.Glu431= (NM_001407241.1); c.1296G>A, p.Glu432= (NM_001407242.1); c.1236G>A, p.Glu412= (NM_001407243.1); c.1101G>A, p.Glu367= (NM_001407245.1); c.918G>A, p.Glu306= (NM_001407246.1); c.1181-351G>A (NM_001407244.1); c.1180+634G>A (NM_001407247.1).
Identifiers: ClinVar variation 921731 (VCV000921731.6), dbSNP rs777706463, ClinGen allele CA036238.
Genomic context (GRCh38, chr1:55,058,148, plus strand): 5'-GAGGCAGAGACTGATCCACTTCTCTGCCAAAGATGTCATCAATGAGGCCTGGTTCCCTGA[G>A]GACCAGCGGGTACTGACCCCCAACCTGGTGGCCGCCCTGCCCCCCAGCACCCATGGGGCA-3'
Protein context (NP_777596.2, residues 421-441): KDVINEAWFP[Glu431=]DQRVLTPNLV

ClinVar aggregate classification (germline): Likely benign. Review status: criteria provided, multiple submitters, no conflicts (2 of 4 stars). 3 submissions from 3 submitters: Likely benign (3). Last evaluated 2024-05-14.

Conditions:
Cardiovascular phenotype. Identifiers: MedGen CN230736.
Familial hypercholesterolemia. Also called: Familial hypercholesterolemias; Familial hypercholesterolaemia. Identifiers: MedGen C0020445, MONDO:0005439.
Hypercholesterolemia, autosomal dominant, 3 (FHCL3). Also called: Familial hypercholesterolemia 3; Familial Hypercholesterolemia, Autosomal Dominant, 3; PCSK9-Related Familial Hypercholesterolemia, Autosomal Dominant. Identifiers: MedGen C1863551, MONDO:0011369, OMIM 603776.

Allele frequency attached by ClinVar (database versions not stated): ExAC 0.00001; gnomAD 0.00001; gnomAD exomes 0.00001; TOPMed 0.00002.
gnomAD v4.1: 9 of 1,613,458 alleles (0.00056%); highest among the groups gnomAD compares: Admixed American, 0.01%; no homozygotes.

Submissions (3):

All of Us Research Program, National Institutes of Health
Classification: Likely benign for Hypercholesterolemia, autosomal dominant, 3. Last evaluated: 2024-05-14. Review status: criteria provided, single submitter. Criteria: ACMG Guidelines, 2015. Collection method: clinical testing. Allele origin: germline. Inheritance: Autosomal dominant inheritance. Observed: 4 variant alleles, 4 heterozygotes.
Comment: This study involves interpretation of variants in research participants for the purpose of population health screening. Participant phenotype was not available at the time of variant classification. Additional details can be found in publication PMID: 35346344, PMCID: PMC8962531

Ambry Genetics
Classification: Likely benign for Cardiovascular phenotype. Last evaluated: 2023-11-26. Review status: criteria provided, single submitter. Criteria: Ambry Variant Classification Scheme 2023. Collection method: clinical testing. Allele origin: germline.

Color Diagnostics, LLC DBA Color Health
Classification: Likely benign for Familial hypercholesterolemia. Last evaluated: 2018-12-01. Review status: criteria provided, single submitter. Criteria: ACMG Guidelines, 2015. Collection method: clinical testing. Allele origin: germline.